The following is an entry in ClinVar:

NM_004525.3(LRP2):c.8848G>T (p.Asp2950Tyr)

Gene: LRP2 (LDL receptor related protein 2; minus strand). Cytogenetic location: 2q31.1.
Variant type: single nucleotide variant.
Coding change: c.8848G>T on transcript NM_004525.3 (MANE Select); coding-DNA position 8848, G replaced by T.
Protein change: p.Asp2950Tyr; replaces aspartic acid 2950 with tyrosine.
Molecular consequence: missense variant.
Genome position (GRCh38, 1-based): chr2:169,192,016, C>A on the plus strand (G>T on the coding strand, the complement: LRP2 is on the minus strand). VCF-style: chr2-169192016-C-A. GRCh37 (hg19) VCF-style: chr2-170048526-C-A.
Other names: short protein forms D2950Y.
Identifiers: ClinVar variation 808883 (VCV000808883.46), dbSNP rs770098442, ClinGen allele CA1953730.

ClinVar aggregate classification (germline): Uncertain significance. Review status: criteria provided, multiple submitters, no conflicts (2 of 4 stars). 3 submissions from 3 submitters: Uncertain significance (3). Last evaluated 2022-05-13.

Conditions:
Donnai-Barrow syndrome. Also called: DBS/FOAR SYNDROME; FACIOOCULOACOUSTICORENAL SYNDROME. Identifiers: Orphanet 2143, MedGen C1857277, MONDO:0009104, OMIM 222448.

Allele frequency attached by ClinVar (database versions not stated): ExAC 0.00001; TOPMed 0.00001; gnomAD 0.00002; gnomAD exomes 0.00002.
gnomAD v4.1: 24 of 1,612,528 alleles (0.0015%); highest among the groups gnomAD compares: Non-Finnish European, 0.002%; no homozygotes.

Submissions (3):

Labcorp Genetics (formerly Invitae), Labcorp
Classification: Uncertain significance. Last evaluated: 2022-05-13. Review status: criteria provided, single submitter. Criteria: Invitae Variant Classification Sherloc (09022015). Collection method: clinical testing. Allele origin: germline.
Comment: This sequence change replaces aspartic acid, which is acidic and polar, with tyrosine, which is neutral and polar, at codon 2950 of the LRP2 protein (p.Asp2950Tyr). This variant is present in population databases (rs770098442, gnomAD 0.002%). This variant has not been reported in the literature in individuals affected with LRP2-related conditions. ClinVar contains an entry for this variant (Variation ID: 808883). Advanced modeling of protein sequence and biophysical properties (such as structural, functional, and spatial information, amino acid conservation, physicochemical variation, residue mobility, and thermodynamic stability) performed at Invitae indicates that this missense variant is not expected to disrupt LRP2 protein function. In summary, the available evidence is currently insufficient to determine the role of this variant in disease. Therefore, it has been classified as a Variant of Uncertain Significance.

Fulgent Genetics
Classification: Uncertain significance for Donnai-Barrow syndrome. Last evaluated: 2022-02-09. Review status: criteria provided, single submitter. Criteria: ACMG Guidelines, 2015. Collection method: clinical testing. Allele origin: unknown.

CeGaT Center for Human Genetics Tuebingen
Classification: Uncertain significance. Last evaluated: 2018-10-01. Review status: criteria provided, single submitter. Criteria: CeGaT Center For Human Genetics Tuebingen Variant Classification Criteria Version 2. Collection method: clinical testing. Allele origin: germline. Affected: yes. Observed: 3 variant alleles.